The following is an entry in ClinVar:

ClinVar aggregate classification (germline): Uncertain significance (1 of 4 stars; one submission).

Conditions:
Interstitial lung disease due to ABCA3 deficiency. Also called: PULMONARY ALVEOLAR PROTEINOSIS, CONGENITAL, 3. Identifiers: Orphanet 440402, MedGen C1970456, MONDO:0012582, OMIM 610921.

gnomAD v4.1: 3 of 1,613,782 alleles (0.00019%); highest among the groups gnomAD compares: Non-Finnish European, 0.00025%; no homozygotes.

Submission:

3billion
Classification: Uncertain significance for Interstitial lung disease due to ABCA3 deficiency. Last evaluated: 2023-07-09. Review status: criteria provided, single submitter. Criteria: ACMG Guidelines, 2015. Collection method: clinical testing. Allele origin: germline. Affected: yes.
Comment: The variant is not observed in the gnomAD v2.1.1 dataset. Predicted Consequence/Location: Intron variant In silico tools predict the variant to alter splicing and produce an abnormal transcript (SpliceAI: 0.99). Therefore, this variant is classified as VUS according to the recommendation of ACMG/AMP guideline.

NM_001089.3(ABCA3):c.1112-10A>G

Gene: ABCA3 (ATP binding cassette subfamily A member 3; minus strand). Cytogenetic location: 16p13.3.
Variant type: single nucleotide variant.
Coding change: c.1112-10A>G on transcript NM_001089.3 (MANE Select); 10 bases into the intron before coding-DNA position 1112, A replaced by G.
Molecular consequence: intron variant.
Genome position (GRCh38, 1-based): chr16:2,308,633, T>C on the plus strand (A>G on the coding strand, the complement: ABCA3 is on the minus strand). VCF-style: chr16-2308633-T-C. GRCh37 (hg19) VCF-style: chr16-2358634-T-C.
Identifiers: ClinVar variation 3776143 (VCV003776143.1).
Genomic context (GRCh38, chr16:2,308,633, plus strand): 5'-GGATGTAGGTGAAGAAGTAGAGGAAGCCTCCGAAGGCTGCTGCCATGTTGGCTGCAGGTG[T>C]TGGAAGACCCGGGGGGCGTGAGCGTCAGTGCCCTCAAAAGGGGCTTGGGCTCCCCGAGGT-3'